The following is an entry in ClinVar:

NM_004309.6(ARHGDIA):c.275-62G>C

Genes: ARHGDIA (Rho GDP dissociation inhibitor alpha; minus strand), LOC130061973 (ATAC-STARR-seq lymphoblastoid silent region 9158; plus strand). Cytogenetic location: 17q25.3.
Variant type: single nucleotide variant.
Coding change: c.275-62G>C on transcript NM_004309.6 (MANE Select); 62 bases into the intron before coding-DNA position 275, G replaced by C.
Molecular consequence: intron variant. On other transcripts: synonymous variant (1).
Genome position (GRCh38, 1-based): chr17:81,869,468, C>G on the plus strand (G>C on the coding strand, the complement: ARHGDIA is on the minus strand). VCF-style: chr17-81869468-C-G. GRCh37 (hg19) VCF-style: chr17-79827344-C-G.
Other names: c.348G>C, p.Ala116= (NM_001301243.2); c.275-62G>C (NM_001185078.3, NM_001301242.2, NM_001301240.2 and 2 more transcripts).
Identifiers: ClinVar variation 3036787 (VCV003036787.2), dbSNP rs1018520979, ClinGen allele CA295138286.
Genomic context (GRCh38, chr17:81,869,468, plus strand): 5'-TGTTGGGGGGACCTCCCCCTCAATGACTGCCCAGCAGCCCTGCGCGAAGCCCCAGCCCTG[C>G]GCGGCCCCCTGGCTGCACTTCCCGAGATCCCCACCAGGGGCCGCCCGGACCCCCGCGGCC-3'

ClinVar aggregate classification (germline): Likely benign (0 of 4 stars; one submission).

Conditions:
ARHGDIA-related disorder. Also called: ARHGDIA-related condition.

Allele frequency attached by ClinVar (database versions not stated): gnomAD 0.00021; TOPMed 0.00025.

Submission:

PreventionGenetics, part of Exact Sciences
Classification: Likely benign for ARHGDIA-related condition. Last evaluated: 2023-06-01. Review status: no assertion criteria provided. Collection method: clinical testing. Allele origin: germline.
Comment: This variant is classified as likely benign based on ACMG/AMP sequence variant interpretation guidelines (Richards et al. 2015 PMID: 25741868, with internal and published modifications).